The following is an entry in ClinVar:

NM_133497.4(KCNV2):c.365G>A (p.Arg122His)

Gene: KCNV2 (potassium voltage-gated channel modifier subfamily V member 2; plus strand). Cytogenetic location: 9p24.2.
Variant type: single nucleotide variant.
Coding change: c.365G>A on transcript NM_133497.4 (MANE Select); coding-DNA position 365, G replaced by A.
Protein change: p.Arg122His; replaces arginine 122 with histidine.
Molecular consequence: missense variant.
Genome position (GRCh38, 1-based): chr9:2,718,104, G>A. VCF-style: chr9-2718104-G-A. GRCh37 (hg19) VCF-style: chr9-2718104-G-A.
Other names: short protein forms R122H.
Identifiers: ClinVar variation 3619008 (VCV003619008.2).

ClinVar aggregate classification (germline): Uncertain significance (1 of 4 stars; one submission).

Submission:

Labcorp Genetics (formerly Invitae), Labcorp
Classification: Uncertain significance. Last evaluated: 2024-12-03. Review status: criteria provided, single submitter. Criteria: Invitae Variant Classification Sherloc (09022015). Collection method: clinical testing. Allele origin: germline.
Comment: This sequence change replaces arginine, which is basic and polar, with histidine, which is basic and polar, at codon 122 of the KCNV2 protein (p.Arg122His). The frequency data for this variant in the population databases is considered unreliable, as metrics indicate poor data quality at this position in the gnomAD database. This variant has not been reported in the literature in individuals affected with KCNV2-related conditions. Invitae Evidence Modeling of protein sequence and biophysical properties (such as structural, functional, and spatial information, amino acid conservation, physicochemical variation, residue mobility, and thermodynamic stability) indicates that this missense variant is expected to disrupt KCNV2 protein function with a positive predictive value of 95%. In summary, the available evidence is currently insufficient to determine the role of this variant in disease. Therefore, it has been classified as a Variant of Uncertain Significance.